The following is an entry in ClinVar:

NM_020975.6(RET):c.604G>A (p.Val202Met)

Gene: RET (ret proto-oncogene; plus strand). Cytogenetic location: 10q11.21.
Variant type: single nucleotide variant.
Coding change: c.604G>A on transcript NM_020975.6 (MANE Select); coding-DNA position 604, G replaced by A.
Protein change: p.Val202Met; replaces valine 202 with methionine.
Molecular consequence: missense variant.
Genome position (GRCh38, 1-based): chr10:43,102,608, G>A. VCF-style: chr10-43102608-G-A. GRCh37 (hg19) VCF-style: chr10-43598056-G-A.
Other names: c.604G>A (NM_020630.5); c.604G>A, p.Val202Met (NM_020630.7, NM_000323.2, NM_001406743.1 and 16 more transcripts); c.475G>A, p.Val159Met (NM_001406761.1, NM_001406762.1, NM_001406764.1 and 4 more transcripts); short protein forms V202M, V159M.
Identifiers: ClinVar variation 184536 (VCV000184536.34), dbSNP rs751572082, ClinGen allele CA009303.

ClinVar aggregate classification (germline): Uncertain significance. Review status: criteria provided, multiple submitters, no conflicts (2 of 4 stars). 14 submissions from 12 submitters: Uncertain significance (12). 2 of the submissions do not count toward it. Last evaluated 2026-03-23.

Conditions:
Hirschsprung disease, susceptibility to, 1 (HSCR1). Also called: RET-Related Hirschsprung Disease. Identifiers: Orphanet 388, MedGen C3888239, MONDO:0007723, OMIM 142623.
Multiple endocrine neoplasia type 2A. Also called: MULTIPLE ENDOCRINE NEOPLASIA, TYPE IIA; PTC SYNDROME; SIPPLE SYNDROME; MEN 2A; MEN-2A syndrome; Pheochromocytoma and amyloid producing medullary thyroid carcinoma. Identifiers: Orphanet 247698, Orphanet 653, MedGen C0025268, MeSH D018813, MONDO:0008234, OMIM 171400.
Multiple endocrine neoplasia type 2B. Also called: WAGENMANN-FROBOESE SYNDROME; MULTIPLE ENDOCRINE NEOPLASIA, TYPE III; Multiple endocrine neoplasia, type 3; MULTIPLE ENDOCRINE NEOPLASIA, TYPE IIB; MEN 2B; MEN IIB. Identifiers: Orphanet 247709, Orphanet 653, MedGen C0025269, MeSH D018814, MONDO:0008082, OMIM 162300.
Pheochromocytoma. Also called: MAX-Related Hereditary Paraganglioma-Pheochromocytoma Syndrome. Identifiers: Orphanet 29072, MedGen C0031511, MONDO:0008233, OMIM 171300, HP:0002666.
Familial medullary thyroid carcinoma (MTC). Also called: Thyroid cancer, familial medullary; MTC, familial; Familial Medullary Thyroid Carcinoma (FMTC). Identifiers: Orphanet 653, Orphanet 99361, MedGen C1833921, MONDO:0007958, OMIM 155240.
RET-related disorder. Also called: RET-related condition; RET-related disease; RET-related disorders.
Hereditary cancer-predisposing syndrome. Also called: Neoplastic Syndromes, Hereditary; Hereditary Cancer Syndrome; Tumor predisposition; Hereditary neoplastic syndrome. Identifiers: Orphanet 140162, MedGen C0027672, MeSH D009386, MONDO:0015356.
Multiple endocrine neoplasia, type 2 (MEN2). Identifiers: Orphanet 653, MedGen C4048306, MONDO:0019003. Disease mechanism: gain of function.
Medulloblastoma (MDB). Also called: MEDULLOBLASTOMA PREDISPOSITION SYNDROME; Medulloblastoma, somatic. Identifiers: Orphanet 616, MedGen C0025149, MeSH D008527, MONDO:0007959, OMIM 155255, HP:0002885.

Allele frequency attached by ClinVar (database versions not stated): TOPMed 0.00006; gnomAD exomes 0.00005 and 0.00007; ExAC 0.00005; gnomAD 0.00006.

Submissions (14):

PreventionGenetics, part of Exact Sciences
Classification: Uncertain significance for RET-related condition. Last evaluated: 2026-03-23. Review status: criteria provided, single submitter. Criteria: ACMG Guidelines, 2015. Collection method: clinical testing. Allele origin: germline.
Comment: The RET c.604G>A variant is predicted to result in the amino acid substitution p.Val202Met. This variant has been reported in two individuals with Hirschsprung’s disease or parathyroid cancer (Table 1, Julies et al. 2001. PubMed ID: 11436122; Table 2, Storvall et al. 2023. PubMed ID: 36900197). This variant is reported in 0.020% of alleles in individuals of European (Finnish) descent in gnomAD. It is interpreted as uncertain in ClinVar (Variation ID: 184536). At this time, the clinical significance of this variant is uncertain due to the absence of conclusive functional and genetic evidence.

Labcorp Genetics (formerly Invitae), Labcorp
Classification: Uncertain significance for Multiple endocrine neoplasia, type 2. Last evaluated: 2025-12-16. Review status: criteria provided, single submitter. Criteria: Invitae Variant Classification Sherloc (09022015). Collection method: clinical testing. Allele origin: germline.
Comment: This sequence change replaces valine, which is neutral and non-polar, with methionine, which is neutral and non-polar, at codon 202 of the RET protein (p.Val202Met). This variant is present in population databases (rs751572082, gnomAD 0.02%). This missense change has been observed in individual(s) with Hirschsprung disease or parathyroid neoplasms (PMID: 11436122, 36900197). ClinVar contains an entry for this variant (Variation ID: 184536). An algorithm developed to predict the effect of missense changes on protein structure and function outputs the following: PolyPhen-2: "Possibly Damaging". The methionine amino acid residue is found in multiple mammalian species, which suggests that this missense change does not adversely affect protein function. In summary, the available evidence is currently insufficient to determine the role of this variant in disease. Therefore, it has been classified as a Variant of Uncertain Significance.

St. Jude Molecular Pathology, St. Jude Children's Research Hospital
Classification: Uncertain significance for Multiple endocrine neoplasia type 2A. Last evaluated: 2025-06-17. Review status: criteria provided, single submitter. Criteria: St. Jude Assertion Criteria 2020. Collection method: clinical testing. Allele origin: germline.
Comment: The RET c.604G>A p.(Val202Met) missense change has a maximum non-founder subpopulation frequency of 0.006% in gnomAD v2.1.1. The in silico tool REVEL predicts a benign effect on protein function, but to our knowledge this prediction has not been confirmed by functional studies. This variant has been reported in an individual with Hirschsprung disease (PMID: 11436122). In summary, the evidence currently available is insufficient to determine the clinical significance of this variant. It has therefore been classified as of uncertain significance.

Ambry Genetics
Classification: Uncertain significance for Hereditary cancer-predisposing syndrome. Last evaluated: 2025-04-16. Review status: criteria provided, single submitter. Criteria: Ambry Variant Classification Scheme 2023. Collection method: clinical testing. Allele origin: germline.
Comment: The p.V202M variant (also known as c.604G>A), located in coding exon 3 of the RET gene, results from a G to A substitution at nucleotide position 604. The valine at codon 202 is replaced by methionine, an amino acid with highly similar properties. This amino acid position is not well conserved in available vertebrate species. In addition, this alteration is predicted to be tolerated by in silico analysis. Based on data from gnomAD, the frequency for this variant is above the maximum credible frequency for an MEN2 disease-causing variant in this gene based on internally established thresholds (Karczewski et al. Nature. 2020 May;581(7809):434-443; Whiffin et al. Genet Med. 2017 10;19:1151-1158). Based on the supporting evidence, the association of this alteration with Hirschsprung disease is unknown; however, the association of this alteration with MEN2 is unlikely.

Color Diagnostics, LLC DBA Color Health
Classification: Uncertain significance for Multiple endocrine neoplasia, type 2. Last evaluated: 2024-04-26. Review status: criteria provided, single submitter. Criteria: ACMG Guidelines, 2015. Collection method: clinical testing. Allele origin: germline.
Comment: This missense variant replaces valine with methionine at codon 202 of the RET protein. Computational prediction suggests that this variant may not impact protein structure and function. To our knowledge, functional studies have not been reported for this variant. This variant has been reported in an individual affected with a parathyroid neoplasm (PMID: 36900197). This variant has been identified in 15/282526 chromosomes in the general population by the Genome Aggregation Database (gnomAD). The available evidence is insufficient to determine the role of this variant in disease conclusively. Therefore, this variant is classified as a Variant of Uncertain Significance.

Fulgent Genetics
Classification: Uncertain significance for Hirschsprung disease, susceptibility to, 1; Familial medullary thyroid carcinoma; Multiple endocrine neoplasia type 2B; Pheochromocytoma; Multiple endocrine neoplasia type 2A. Last evaluated: 2024-03-06. Review status: criteria provided, single submitter. Criteria: ACMG Guidelines, 2015. Collection method: clinical testing. Allele origin: germline.

GeneDx
Classification: Uncertain significance. Last evaluated: 2022-12-13. Review status: criteria provided, single submitter. Criteria: GeneDx Variant Classification Process June 2021. Collection method: clinical testing. Allele origin: germline. Affected: yes.
Comment: In silico analysis supports that this missense variant does not alter protein structure/function; Observed in an individual with Hirschsprung disease (Julies et al., 2001); This variant is associated with the following publications: (PMID: 18280283, 30031151, 14633923, 11436122)

Sema4
Classification: Uncertain significance for Hereditary cancer-predisposing syndrome. Last evaluated: 2021-04-20. Review status: criteria provided, single submitter. Criteria: Sema4 Curation Guidelines. Collection method: curation. Allele origin: germline.
Comment: The RET c.604G>A (p.V202M) variant has been reported in at least one individual with Hirschsprung's disease (PMID: 11436122). It was observed in 5/25060 chromosomes of the Finnish subpopulation in the large and broad cohorts of the Genome Aggregation Database (PMID: 32461654). The variant has been reported in ClinVar (Variation ID 184536). In silico tools suggest the impact of the variant on protein function is inconclusive though these predictions have not been confirmed by functional studies. The evidence is insufficient to meet ACMG/AMP criteria for classifying the variant as benign or pathogenic. Thus, the clinical significance of this variant is currently uncertain.

Baylor Genetics
Classification: Uncertain significance for Familial medullary thyroid carcinoma. Last evaluated: 2020-11-25. Review status: criteria provided, single submitter. Criteria: ACMG Guidelines, 2015. Collection method: clinical testing. Allele origin: maternal. Affected: yes. Study: CSER-TexasKidsCanSeq.
Comment: This variant was determined to be of uncertain significance according to ACMG Guidelines, 2015 [PMID:25741868].

Blueprint Genetics
Classification: Uncertain significance. Last evaluated: 2020-11-18. Review status: criteria provided, single submitter. Criteria: ACMG Guidelines, 2015. Collection method: clinical testing. Allele origin: germline.

St. Jude Molecular Pathology, St. Jude Children's Research Hospital
Classification: Uncertain significance for Medulloblastoma. Last evaluated: 2017-05-22. Review status: criteria provided, single submitter. Criteria: ACMG Guidelines, 2015. Collection method: clinical testing. Allele origin: germline. Affected: yes.

Laboratory for Molecular Medicine, Mass General Brigham Personalized Medicine
Classification: Uncertain significance. Last evaluated: 2016-03-29. Review status: criteria provided, single submitter. Criteria: LMM Criteria. Collection method: clinical testing. Allele origin: germline.
Comment: Variant identified in a genome or exome case(s) and assessed due to predicted null impact of the variant or pathogenic assertions in the literature or databases. Disclaimer: This variant has not undergone full assessment. The following are preliminary notes: 1 report in Hirschsprung, 1 report in thyroid carcinoma; ExAC: 1/6496 Finnish chromosomes

Counsyl
Classification: Uncertain significance for Multiple endocrine neoplasia type 2B. Last evaluated: 2016-07-14. Review status: no assertion criteria provided. Collection method: clinical testing. Allele origin: unknown. Not counted in ClinVar's aggregate classification.

Counsyl
Classification: Uncertain significance for Multiple endocrine neoplasia type 2A. Last evaluated: 2016-07-14. Review status: no assertion criteria provided. Collection method: clinical testing. Allele origin: unknown. Not counted in ClinVar's aggregate classification.

Literature cited by the submitters: PubMed 11436122 (cited by 3 submitters); PubMed 36900197 (cited by 3 submitters).